The following is an entry in ClinVar:

NM_000387.6(SLC25A20):c.715A>C (p.Thr239Pro)

Gene: SLC25A20 (solute carrier family 25 member 20; minus strand). Cytogenetic location: 3p21.31.
Variant type: single nucleotide variant.
Coding change: c.715A>C on transcript NM_000387.6 (MANE Select); coding-DNA position 715, A replaced by C.
Protein change: p.Thr239Pro; replaces threonine 239 with proline.
Molecular consequence: missense variant.
Genome position (GRCh38, 1-based): chr3:48,859,095, T>G on the plus strand (A>C on the coding strand, the complement: SLC25A20 is on the minus strand). VCF-style: chr3-48859095-T-G. GRCh37 (hg19) VCF-style: chr3-48896528-T-G.
Other names: short protein forms T239P.
Identifiers: ClinVar variation 635295 (VCV000635295.9), dbSNP rs143961330, ClinGen allele CA352626121.
Genomic context (GRCh38, chr3:48,859,095, plus strand): 5'-ATTAGCCAGTGCTGGGGACCCACTCTCCCCCTGTCCACCCCACTACCTTCCACTCACCAG[T>G]CTGGAATCGAGACTTGAGCACATCTGGGGGGATTGCCACAGCCCAGTTGAAGATCCCTGC-3'
Protein context (NP_000378.1, residues 229-249): PPDVLKSRFQ[Thr239Pro]APPGKYPNGF

ClinVar aggregate classification (germline): Conflicting classifications of pathogenicity. Review status: criteria provided, conflicting classifications (1 of 4 stars). 2 submissions from 2 submitters: Likely pathogenic (1); Uncertain significance (1). Last evaluated 2025-07-01.

Conditions:
Carnitine acylcarnitine translocase deficiency (CACTD). Identifiers: Orphanet 159, MedGen C0342791, MONDO:0008918, OMIM 212138.

Submissions (2):

CeGaT Center for Human Genetics Tuebingen
Classification: Likely pathogenic. Last evaluated: 2025-07-01. Review status: criteria provided, single submitter. Criteria: CeGaT Center For Human Genetics Tuebingen Variant Classification Criteria Version 2. Collection method: clinical testing. Allele origin: germline. Affected: yes. Observed: 1 variant allele.
Comment: SLC25A20: PM2, PM3, PP4:Moderate

Ege University Pediatric Genetics, Ege University
Classification: Uncertain significance for Carnitine-acylcarnitine translocase deficiency. Last evaluated: 2019-05-15. Review status: criteria provided, single submitter. Criteria: ACMG Guidelines, 2015. Collection method: clinical testing. Allele origin: germline. Affected: yes.

Literature cited by the submitters: PubMed 31319225 (cited by Ege University Pediatric Genetics, Ege University).